The following is an entry in ClinVar:

ClinVar aggregate classification (germline): Uncertain significance (1 of 4 stars; one submission).

Submission:

GeneDx
Classification: Uncertain significance. Last evaluated: 2021-04-14. Review status: criteria provided, single submitter. Criteria: GeneDx Variant Classification Process June 2021. Collection method: clinical testing. Allele origin: germline. Affected: yes.
Comment: Not observed in large population cohorts (Lek et al., 2016); In silico analysis supports that this missense variant has a deleterious effect on protein structure/function; Has not been previously published as pathogenic or benign to our knowledge

NM_000814.6(GABRB3):c.950T>C (p.Val317Ala)

Gene: GABRB3 (gamma-aminobutyric acid type A receptor subunit beta3; minus strand). Cytogenetic location: 15q12.
Variant type: single nucleotide variant.
Coding change: c.950T>C on transcript NM_000814.6 (MANE Select); coding-DNA position 950, T replaced by C.
Protein change: p.Val317Ala; replaces valine 317 with alanine.
Molecular consequence: missense variant.
Genome position (GRCh38, 1-based): chr15:26,561,062, A>G on the plus strand (T>C on the coding strand, the complement: GABRB3 is on the minus strand). VCF-style: chr15-26561062-A-G. GRCh37 (hg19) VCF-style: chr15-26806209-A-G.
Other names: c.695T>C, p.Val232Ala (NM_001191320.2, NM_001278631.2); c.737T>C, p.Val246Ala (NM_001191321.3); c.950T>C, p.Val317Ala (NM_021912.5); short protein forms V232A, V246A, V317A.
Identifiers: ClinVar variation 1318107 (VCV001318107.2), dbSNP rs2140680051, ClinGen allele CA391461921.